The following is an entry in ClinVar:

ClinVar aggregate classification (germline): Uncertain significance. Review status: criteria provided, multiple submitters, no conflicts (2 of 4 stars). 2 submissions from 2 submitters: Uncertain significance (2). Last evaluated 2025-11-20.

Conditions:
Inborn genetic diseases. Identifiers: MedGen C0950123, MeSH D030342.

Allele frequency attached by ClinVar (database versions not stated): gnomAD exomes 0.00001.
gnomAD v4.1: 3 of 1,610,498 alleles (0.00019%); highest among the groups gnomAD compares: Non-Finnish European, 0.00017%; no homozygotes.

Submissions (2):

Ambry Genetics
Classification: Uncertain significance for Inborn genetic diseases. Last evaluated: 2025-11-20. Review status: criteria provided, single submitter. Criteria: Ambry Variant Classification Scheme 2023. Collection method: clinical testing. Allele origin: germline.

Labcorp Genetics (formerly Invitae), Labcorp
Classification: Uncertain significance. Last evaluated: 2023-08-17. Review status: criteria provided, single submitter. Criteria: Invitae Variant Classification Sherloc (09022015). Collection method: clinical testing. Allele origin: germline.
Comment: This variant has not been reported in the literature in individuals affected with OBSL1-related conditions. This sequence change replaces arginine, which is basic and polar, with glutamine, which is neutral and polar, at codon 1871 of the OBSL1 protein (p.Arg1871Gln). This variant is present in population databases (rs757557849, gnomAD 0.0009%). ClinVar contains an entry for this variant (Variation ID: 1978262). Algorithms developed to predict the effect of missense changes on protein structure and function output the following: SIFT: "Not Available"; PolyPhen-2: "Benign"; Align-GVGD: "Not Available". The glutamine amino acid residue is found in multiple mammalian species, which suggests that this missense change does not adversely affect protein function. In summary, the available evidence is currently insufficient to determine the role of this variant in disease. Therefore, it has been classified as a Variant of Uncertain Significance.

NM_015311.3(OBSL1):c.5612G>A (p.Arg1871Gln)

Gene: OBSL1 (obscurin like cytoskeletal adaptor 1; minus strand). Cytogenetic location: 2q35.
Variant type: single nucleotide variant.
Coding change: c.5612G>A on transcript NM_015311.3 (MANE Select); coding-DNA position 5612, G replaced by A.
Protein change: p.Arg1871Gln; replaces arginine 1871 with glutamine.
Molecular consequence: missense variant.
Genome position (GRCh38, 1-based): chr2:219,551,600, C>T on the plus strand (G>A on the coding strand, the complement: OBSL1 is on the minus strand). VCF-style: chr2-219551600-C-T. GRCh37 (hg19) VCF-style: chr2-220416322-C-T.
Other names: c.5612G>A (NM_015311.2); short protein forms R1871Q.
Identifiers: ClinVar variation 1978262 (VCV001978262.5), dbSNP rs757557849, ClinGen allele CA2130175.